The following is an entry in ClinVar:

NM_000075.4(CDK4):c.577A>C (p.Thr193Pro)

Gene: CDK4 (cyclin dependent kinase 4; minus strand). Cytogenetic location: 12q14.1.
Variant type: single nucleotide variant.
Coding change: c.577A>C on transcript NM_000075.4 (MANE Select); coding-DNA position 577, A replaced by C.
Protein change: p.Thr193Pro; replaces threonine 193 with proline.
Molecular consequence: missense variant.
Genome position (GRCh38, 1-based): chr12:57,750,711, T>G on the plus strand (A>C on the coding strand, the complement: CDK4 is on the minus strand). VCF-style: chr12-57750711-T-G. GRCh37 (hg19) VCF-style: chr12-58144494-T-G.
Other names: short protein forms T193P.
Identifiers: ClinVar variation 4868607 (VCV004868607.1).

ClinVar aggregate classification (germline): Uncertain significance (1 of 4 stars; one submission).

Conditions:
Hereditary cancer-predisposing syndrome. Also called: Neoplastic Syndromes, Hereditary; Tumor predisposition; Hereditary Cancer Syndrome; Hereditary neoplastic syndrome. Identifiers: Orphanet 140162, MedGen C0027672, MeSH D009386, MONDO:0015356.

Submission:

Ambry Genetics
Classification: Uncertain significance for Hereditary cancer-predisposing syndrome. Last evaluated: 2026-06-02. Review status: criteria provided, single submitter. Criteria: Ambry Variant Classification Scheme 2023. Collection method: clinical testing. Allele origin: germline.
Comment: The p.T193P variant (also known as c.577A>C), located in coding exon 4 of the CDK4 gene, results from an A to C substitution at nucleotide position 577. The threonine at codon 193 is replaced by proline, an amino acid with highly similar properties. This amino acid position is highly conserved in available vertebrate species. In addition, the in silico prediction for this alteration is inconclusive. Based on the available evidence, the clinical significance of this variant remains unclear.